The following is an entry in ClinVar:

ClinVar aggregate classification (germline): Uncertain significance (1 of 4 stars; one submission).

gnomAD v4.1: 1 of 1,611,278 alleles (0.000062%); highest among the groups gnomAD compares: East Asian, 0.0022%; no homozygotes.

Submission:

Labcorp Genetics (formerly Invitae), Labcorp
Classification: Uncertain significance. Last evaluated: 2024-06-20. Review status: criteria provided, single submitter. Criteria: Invitae Variant Classification Sherloc (09022015). Collection method: clinical testing. Allele origin: germline.
Comment: This sequence change falls in intron 14 of the PRKCSH gene. It does not directly change the encoded amino acid sequence of the PRKCSH protein. This variant is not present in population databases (gnomAD no frequency). This variant has not been reported in the literature in individuals affected with PRKCSH-related conditions. Algorithms developed to predict the effect of sequence changes on RNA splicing suggest that this variant may create or strengthen a splice site. In summary, the available evidence is currently insufficient to determine the role of this variant in disease. Therefore, it has been classified as a Variant of Uncertain Significance.

NM_001289104.2(PRKCSH):c.1286+17C>T

Gene: PRKCSH (PRKCSH beta subunit of glucosidase II; plus strand). Cytogenetic location: 19p13.2.
Variant type: single nucleotide variant.
Coding change: c.1286+17C>T on transcript NM_001289104.2 (MANE Select); 17 bases into the intron after coding-DNA position 1286, C replaced by T.
Molecular consequence: intron variant.
Genome position (GRCh38, 1-based): chr19:11,448,646, C>T. VCF-style: chr19-11448646-C-T. GRCh37 (hg19) VCF-style: chr19-11559461-C-T.
Other names: c.1286+17C>T (NM_001289103.2); c.1256+17C>T (NM_001379609.1, NM_001001329.3, NM_001289102.2); c.1265+17C>T (NM_001379608.1, NM_002743.3).
Identifiers: ClinVar variation 3680296 (VCV003680296.2).